The following is an entry in ClinVar:

NM_001110556.2(FLNA):c.6175G>A (p.Glu2059Lys)

Gene: FLNA (filamin A; minus strand). Cytogenetic location: Xq28.
Variant type: single nucleotide variant.
Coding change: c.6175G>A on transcript NM_001110556.2 (MANE Select); coding-DNA position 6175, G replaced by A.
Protein change: p.Glu2059Lys; replaces glutamic acid 2059 with lysine.
Molecular consequence: missense variant.
Genome position (GRCh38, 1-based): chrX:154,353,052, C>T on the plus strand (G>A on the coding strand, the complement: FLNA is on the minus strand). VCF-style: chrX-154353052-C-T. GRCh37 (hg19) VCF-style: chrX-153581420-C-T.
Other names: c.6151G>A, p.Glu2051Lys (NM_001456.4); short protein forms E2051K, E2059K.
Identifiers: ClinVar variation 288135 (VCV000288135.23), dbSNP rs782779958, ClinGen allele CA10560153.

ClinVar aggregate classification (germline): Conflicting classifications of pathogenicity. Review status: criteria provided, conflicting classifications (1 of 4 stars). 7 submissions from 7 submitters: Uncertain significance (5); Benign (1); Likely benign (1). Last evaluated 2025-10-14.

Conditions:
Oto-palato-digital syndrome, type II (OPD2). Also called: FACIOPALATOOSSEOUS SYNDROME; Otopalatodigital Syndrome, Type II; OPD II SYNDROME; Otopalatodigital Syndrome Type 2 (FLNA-OPD2). Identifiers: Orphanet 669, Orphanet 90652, MedGen C1844696, MONDO:0010571, OMIM 304120.
Heterotopia, periventricular, X-linked dominant (PVNH1). Also called: PERIVENTRICULAR NODULAR HETEROTOPIA 4; HETEROTOPIA, PERIVENTRICULAR, 1; PERIVENTRICULAR NODULAR HETEROTOPIA 1; X-linked periventricular heterotopia. Identifiers: Orphanet 2149, Orphanet 82004, MedGen C1848213, MONDO:0010233, OMIM 300049.
Frontometaphyseal dysplasia (FMD1). Identifiers: Orphanet 1826, MedGen C0265293, MONDO:0015942.
Melnick-Needles syndrome (MNS). Also called: MELNICK-NEEDLES OSTEODYSPLASTY; OSTEODYSPLASTY OF MELNICK AND NEEDLES; Melnick-Needles Syndrome (FLNA-MNS). Identifiers: Orphanet 2484, MedGen C0025237, MONDO:0010650, OMIM 309350.
Familial thoracic aortic aneurysm and aortic dissection (TAAD). Also called: Thoracic aortic aneurysms and dissections. Identifiers: Orphanet 91387, MedGen C4707243, MONDO:0019625.

Allele frequency attached by ClinVar (database versions not stated): TOPMed 0.00001; ExAC 0.00003; gnomAD exomes 0.00003; gnomAD 0.00004.
gnomAD v4.1: 41 of 1,210,258 alleles (0.0034%); highest among the groups gnomAD compares: Non-Finnish European, 0.0039%; no homozygotes.

Submissions (7):

Labcorp Genetics (formerly Invitae), Labcorp
Classification: Benign for Oto-palato-digital syndrome, type II; Heterotopia, periventricular, X-linked dominant; Frontometaphyseal dysplasia; Melnick-Needles syndrome. Last evaluated: 2025-10-14. Review status: criteria provided, single submitter. Criteria: Invitae Variant Classification Sherloc (09022015). Collection method: clinical testing. Allele origin: germline.

GeneDx
Classification: Uncertain significance. Last evaluated: 2024-05-15. Review status: criteria provided, single submitter. Criteria: GeneDx Variant Classification Process June 2021. Collection method: clinical testing. Allele origin: germline. Affected: yes.
Comment: Has not been previously published as pathogenic or benign to our knowledge; In silico analysis supports that this missense variant has a deleterious effect on protein structure/function

Women's Health and Genetics/Laboratory Corporation of America, LabCorp
Classification: Uncertain significance. Last evaluated: 2023-07-30. Review status: criteria provided, single submitter. Criteria: LabCorp Variant Classification Summary - May 2015. Collection method: clinical testing. Allele origin: germline.

Blueprint Genetics
Classification: Likely benign. Last evaluated: 2022-12-27. Review status: criteria provided, single submitter. Criteria: ACMG Guidelines, 2015. Collection method: clinical testing. Allele origin: germline.

Mayo Clinic Laboratories, Mayo Clinic
Classification: Uncertain significance. Last evaluated: 2020-01-15. Review status: criteria provided, single submitter. Criteria: ACMG Guidelines, 2015. Collection method: clinical testing. Allele origin: germline. Observed: 1 variant allele.

Ambry Genetics
Classification: Uncertain significance for Familial thoracic aortic aneurysm and aortic dissection. Last evaluated: 2017-04-04. Review status: criteria provided, single submitter. Criteria: Ambry Variant Classification Scheme 2023. Collection method: clinical testing. Allele origin: germline.
Comment: The p.E2051K variant (also known as c.6151G>A), located in coding exon 36 of the FLNA gene, results from a G to A substitution at nucleotide position 6151. The glutamic acid at codon 2051 is replaced by lysine, an amino acid with similar properties. This amino acid position is highly conserved in available vertebrate species. In addition, the in silico prediction for this alteration is inconclusive. Since supporting evidence is limited at this time, the clinical significance of this alteration remains unclear.

Eurofins Ntd Llc (ga)
Classification: Uncertain significance. Last evaluated: 2016-06-30. Review status: criteria provided, single submitter. Criteria: EGL Classification Definitions 2015. Collection method: clinical testing. Allele origin: germline. Observed: 2 variant alleles, 1 heterozygote, 1 hemizygote.